The following is an entry in ClinVar:

NM_000720.4(CACNA1D):c.1507A>G (p.Lys503Glu)

Gene: CACNA1D (calcium voltage-gated channel subunit alpha1 D; plus strand). Cytogenetic location: 3p21.1.
Variant type: single nucleotide variant.
Coding change: c.1507A>G on transcript NM_000720.4 (MANE Plus Clinical); coding-DNA position 1507, A replaced by G.
Protein change: p.Lys503Glu; replaces lysine 503 with glutamic acid.
Molecular consequence: missense variant. On other transcripts: intron variant (2).
Genome position (GRCh38, 1-based): chr3:53,718,710, A>G. VCF-style: chr3-53718710-A-G. GRCh37 (hg19) VCF-style: chr3-53752737-A-G.
Other names: c.1478+322A>G (NM_001128840.3, NM_001128839.3); short protein forms K503E.
Identifiers: ClinVar variation 2874133 (VCV002874133.3), dbSNP rs1576451080, ClinGen allele CA353236152.
Genomic context (GRCh38, chr3:53,718,710, plus strand): 5'-TGGTTAACCTGGCCACCTGCTGTGTCCATTAGGTGCTGGTGGAGACGGAGAGGCGCGGCC[A>G]AGGCGGGGCCCTCTGGGTGTCGGCGGTGGGGGTAAAGGCCTGATTCTCCTTCCAGCCTGG-3'
Protein context (NP_000711.1, residues 493-513): WCWWRRRGAA[Lys503Glu]AGPSGCRRWG

ClinVar aggregate classification (germline): Uncertain significance (1 of 4 stars; one submission).

Submission:

Labcorp Genetics (formerly Invitae), Labcorp
Classification: Uncertain significance. Last evaluated: 2023-05-16. Review status: criteria provided, single submitter. Criteria: Invitae Variant Classification Sherloc (09022015). Collection method: clinical testing. Allele origin: germline.
Comment: In summary, the available evidence is currently insufficient to determine the role of this variant in disease. Therefore, it has been classified as a Variant of Uncertain Significance. An algorithm developed to predict the effect of missense changes on protein structure and function (PolyPhen-2) suggests that this variant is likely to be tolerated. This variant has not been reported in the literature in individuals affected with CACNA1D-related conditions. This variant is not present in population databases (gnomAD no frequency). This sequence change replaces lysine, which is basic and polar, with glutamic acid, which is acidic and polar, at codon 503 of the CACNA1D protein (p.Lys503Glu).